The following is an entry in ClinVar:

NM_006005.3(WFS1):c.2364C>T (p.Asp788=)

Gene: WFS1 (wolframin ER transmembrane glycoprotein; plus strand). Cytogenetic location: 4p16.1.
Variant type: single nucleotide variant.
Coding change: c.2364C>T on transcript NM_006005.3 (MANE Select); coding-DNA position 2364, C replaced by T.
Protein change: p.Asp788=; no amino-acid change (aspartic acid 788 retained).
Molecular consequence: synonymous variant.
Genome position (GRCh38, 1-based): chr4:6,302,159, C>T. VCF-style: chr4-6302159-C-T. GRCh37 (hg19) VCF-style: chr4-6303886-C-T.
Other names: c.2364C>T, p.Asp788= (NM_001145853.1).
Identifiers: ClinVar variation 259898 (VCV000259898.27), dbSNP rs144030395, ClinGen allele CA2839701.

ClinVar aggregate classification (germline): Likely benign. Review status: criteria provided, multiple submitters, no conflicts (2 of 4 stars). 6 submissions from 6 submitters: Likely benign (6). Last evaluated 2026-06-01.

Conditions:
Wolfram syndrome 1 (WFS1). Identifiers: Orphanet 3463, MedGen C4551693, MONDO:0009101, OMIM 222300.

Allele frequency attached by ClinVar (database versions not stated): ExAC 0.00016; gnomAD 0.00023 and 0.00024; TOPMed 0.00025; ESP Exome Variant Server 0.00031; 1000 Genomes Project 0.00080; 1000 Genomes Project 30x 0.00109.
gnomAD v4.1: 113 of 1,612,834 alleles (0.007%); highest among the groups gnomAD compares: African/African-American, 0.067%; 1 homozygote.

Submissions (6):

CeGaT Center for Human Genetics Tuebingen
Classification: Likely benign. Last evaluated: 2026-06-01. Review status: criteria provided, single submitter. Criteria: CeGaT Center For Human Genetics Tuebingen Variant Classification Criteria Version 2. Collection method: clinical testing. Allele origin: germline. Affected: yes. Observed: 2 variant alleles.
Comment: WFS1: BP4, BP7

Labcorp Genetics (formerly Invitae), Labcorp
Classification: Likely benign. Last evaluated: 2026-01-04. Review status: criteria provided, single submitter. Criteria: Invitae Variant Classification Sherloc (09022015). Collection method: clinical testing. Allele origin: germline.

Blueprint Genetics
Classification: Likely benign. Last evaluated: 2024-10-22. Review status: criteria provided, single submitter. Criteria: ACMG Guidelines, 2015. Collection method: clinical testing. Allele origin: germline.

GeneDx
Classification: Likely benign. Last evaluated: 2020-08-28. Review status: criteria provided, single submitter. Criteria: GeneDx Variant Classification Process June 2021. Collection method: clinical testing. Allele origin: germline. Affected: yes.

Clinical Genomics, Uppaluri K&H Personalized Medicine Clinic
Classification: Likely benign for Wolfram syndrome 1. Review status: criteria provided, single submitter. Criteria: K & H Uppaluri Personalized Medicine Clinic Variant Classification & Assertion Criteria_Updated V.1. Collection method: research. Allele origin: unknown. Inheritance: Autosomal recessive inheritance.
Comment: Potent mutations in WFS1 gene are associated with Wolfram's syndrome, an autosomal recessive condition, which cause diabetes mellitus, diabetes insipidus, deafness and optic atrophy. However no sufficient evidence is found to ascertain the role of this particular variant rs144030395 in Wolfram's syndrome yet.

PreventionGenetics, part of Exact Sciences
Classification: Likely benign. Review status: criteria provided, single submitter. Criteria: ACMG Guidelines, 2015. Collection method: clinical testing. Allele origin: germline.

Literature cited by the submitters: PubMed 20738327 (cited by Clinical Genomics, Uppaluri K&H Personalized Medicine Clinic); PubMed 33879153 (cited by Clinical Genomics, Uppaluri K&H Personalized Medicine Clinic); PubMed 12955714 (cited by Clinical Genomics, Uppaluri K&H Personalized Medicine Clinic); PubMed 18060660 (cited by Clinical Genomics, Uppaluri K&H Personalized Medicine Clinic); PubMed 20301750 (cited by Clinical Genomics, Uppaluri K&H Personalized Medicine Clinic); PubMed 17603484 (cited by Clinical Genomics, Uppaluri K&H Personalized Medicine Clinic).